The following is an entry in ClinVar:

NM_001080477.4(TENM3):c.6969A>T (p.Glu2323Asp)

Gene: TENM3 (teneurin transmembrane protein 3; plus strand). Cytogenetic location: 4q35.1.
Variant type: single nucleotide variant.
Coding change: c.6969A>T on transcript NM_001080477.4 (MANE Select); coding-DNA position 6969, A replaced by T.
Protein change: p.Glu2323Asp; replaces glutamic acid 2323 with aspartic acid.
Molecular consequence: missense variant.
Genome position (GRCh38, 1-based): chr4:182,793,641, A>T. VCF-style: chr4-182793641-A-T. GRCh37 (hg19) VCF-style: chr4-183714794-A-T.
Other names: c.6201A>T, p.Glu2067Asp (NM_001415960.1); c.6174A>T, p.Glu2058Asp (NM_001415961.1); c.6171A>T, p.Glu2057Asp (NM_001415962.1); c.6153A>T, p.Glu2051Asp (NM_001415963.1); c.6150A>T, p.Glu2050Asp (NM_001415964.1); c.6687A>T, p.Glu2229Asp (NM_001415966.1); c.6711A>T, p.Glu2237Asp (NM_001415967.1); c.6987A>T, p.Glu2329Asp (NM_001415968.1); and 4 more; short protein forms E2050D, E2237D, E2322D, E2051D, E2058D, E2323D, E2057D, E2067D.
Identifiers: ClinVar variation 2114530 (VCV002114530.4), dbSNP rs1435464607, ClinGen allele CA358839204.

ClinVar aggregate classification (germline): Uncertain significance (1 of 4 stars; one submission).

Allele frequency attached by ClinVar (database versions not stated): gnomAD exomes below 0.00001.
gnomAD v4.1: 1 of 1,613,992 alleles (0.000062%); highest among the groups gnomAD compares: Non-Finnish European, 0.000085%; no homozygotes.

Submission:

Labcorp Genetics (formerly Invitae), Labcorp
Classification: Uncertain significance. Last evaluated: 2022-03-19. Review status: criteria provided, single submitter. Criteria: Invitae Variant Classification Sherloc (09022015). Collection method: clinical testing. Allele origin: germline.
Comment: This sequence change replaces glutamic acid, which is acidic and polar, with aspartic acid, which is acidic and polar, at codon 2323 of the TENM3 protein (p.Glu2323Asp). This variant is present in population databases (no rsID available, gnomAD 0.0009%). This variant has not been reported in the literature in individuals affected with TENM3-related conditions. Algorithms developed to predict the effect of missense changes on protein structure and function are either unavailable or do not agree on the potential impact of this missense change (SIFT: "Tolerated"; PolyPhen-2: "Possibly Damaging"; Align-GVGD: "Class C0"). In summary, the available evidence is currently insufficient to determine the role of this variant in disease. Therefore, it has been classified as a Variant of Uncertain Significance.